The following is an entry in ClinVar:

ClinVar aggregate classification (germline): Uncertain significance (1 of 4 stars; one submission).

Conditions:
Neuropathy, hereditary sensory and autonomic, type 2A (HSAN2A). Also called: HSAN IIA; WNK1-Related HSAN2 (HSAN2A); ACROOSTEOLYSIS, GIACCAI TYPE; ACROOSTEOLYSIS, NEUROGENIC; MORVAN DISEASE; NEUROPATHY, CONGENITAL SENSORY. Identifiers: Orphanet 970, MedGen C2752089, MONDO:0024309, OMIM 201300.
Pseudohypoaldosteronism type 2C (PHA2C). Also called: Pseudohypoaldosteronism Type IIC. Identifiers: Orphanet 757, Orphanet 88940, MedGen C1840391, MONDO:0013778, OMIM 614492.

Allele frequency attached by ClinVar (database versions not stated): gnomAD exomes below 0.00001; ExAC 0.00001; gnomAD 0.00001.
gnomAD v4.1: 6 of 1,613,562 alleles (0.00037%); highest among the groups gnomAD compares: Middle Eastern, 0.033%; no homozygotes.

Submission:

Labcorp Genetics (formerly Invitae), Labcorp
Classification: Uncertain significance for Neuropathy, hereditary sensory and autonomic, type 2A; Pseudohypoaldosteronism type 2C. Last evaluated: 2023-11-05. Review status: criteria provided, single submitter. Criteria: Invitae Variant Classification Sherloc (09022015). Collection method: clinical testing. Allele origin: germline.
Comment: This sequence change replaces threonine, which is neutral and polar, with alanine, which is neutral and non-polar, at codon 1790 of the WNK1 protein (p.Thr1790Ala). This variant is present in population databases (rs749867274, gnomAD 0.003%). This variant has not been reported in the literature in individuals affected with WNK1-related conditions. Advanced modeling of protein sequence and biophysical properties (such as structural, functional, and spatial information, amino acid conservation, physicochemical variation, residue mobility, and thermodynamic stability) performed at Invitae indicates that this missense variant is not expected to disrupt WNK1 protein function with a negative predictive value of 95%. In summary, the available evidence is currently insufficient to determine the role of this variant in disease. Therefore, it has been classified as a Variant of Uncertain Significance.

NM_018979.4(WNK1):c.4612A>G (p.Thr1538Ala)

Gene: WNK1 (WNK lysine deficient protein kinase 1; plus strand). Cytogenetic location: 12p13.33.
Variant type: single nucleotide variant.
Coding change: c.4612A>G on transcript NM_018979.4 (MANE Select); coding-DNA position 4612, A replaced by G.
Protein change: p.Thr1538Ala; replaces threonine 1538 with alanine.
Molecular consequence: missense variant.
Genome position (GRCh38, 1-based): chr12:885,416, A>G. VCF-style: chr12-885416-A-G. GRCh37 (hg19) VCF-style: chr12-994582-A-G.
Other names: c.5392A>G, p.Thr1798Ala (NM_001184985.2); c.3871A>G, p.Thr1291Ala (NM_014823.3); c.5368A>G, p.Thr1790Ala (NM_213655.5); short protein forms T1538A, T1798A, T1291A, T1790A.
Identifiers: ClinVar variation 2923265 (VCV002923265.3), dbSNP rs749867274, ClinGen allele CA6383006.